The following is an entry in ClinVar:

ClinVar aggregate classification (germline): Likely benign (1 of 4 stars; one submission).

Submission:

CeGaT Center for Human Genetics Tuebingen
Classification: Likely benign. Last evaluated: 2024-10-01. Review status: criteria provided, single submitter. Criteria: CeGaT Center For Human Genetics Tuebingen Variant Classification Criteria Version 2. Collection method: clinical testing. Allele origin: germline. Affected: yes. Observed: 1 variant allele.
Comment: KRT6B: BP4, BP7

NM_005555.4(KRT6B):c.348C>T (p.Ala116=)

Gene: KRT6B (keratin 6B; minus strand). Cytogenetic location: 12q13.13.
Variant type: single nucleotide variant.
Coding change: c.348C>T on transcript NM_005555.4 (MANE Select); coding-DNA position 348, C replaced by T.
Protein change: p.Ala116=; no amino-acid change (alanine 116 retained).
Molecular consequence: synonymous variant.
Genome position (GRCh38, 1-based): chr12:52,451,731, G>A on the plus strand (C>T on the coding strand, the complement: KRT6B is on the minus strand). VCF-style: chr12-52451731-G-A. GRCh37 (hg19) VCF-style: chr12-52845515-G-A.
Identifiers: ClinVar variation 3388044 (VCV003388044.14).
Genomic context (GRCh38, chr12:52,451,731, plus strand): 5'-TTGGATGCCTCCAGGGGGGCACACAGGGAAGCCAGGGCCCCCAAAGCCACCAGCAAGGCC[G>A]GCTCCACCACCCAGACCAAAGCCAATGCCGGCTCCACCACCGAAACCAAATCCACTCCCG-3'
Protein context (NP_005546.2, residues 106-126): AGIGFGLGGG[Ala116=]GLAGGFGGPG